The following is an entry in ClinVar:

ClinVar aggregate classification (germline): Uncertain significance. Review status: criteria provided, multiple submitters, no conflicts (2 of 4 stars). 2 submissions from 2 submitters: Uncertain significance (2). Last evaluated 2025-10-01.

Conditions:
Vesicoureteral reflux 2 (VUR2). Identifiers: Orphanet 289365, MedGen C1970483, MONDO:0012573, OMIM 610878.

gnomAD v4.1: 14 of 1,612,900 alleles (0.00087%); highest among the groups gnomAD compares: African/African-American, 0.008%; no homozygotes.

Submissions (2):

Labcorp Genetics (formerly Invitae), Labcorp
Classification: Uncertain significance. Last evaluated: 2025-10-01. Review status: criteria provided, single submitter. Criteria: Invitae Variant Classification Sherloc (09022015). Collection method: clinical testing. Allele origin: germline.
Comment: This sequence change replaces arginine, which is basic and polar, with tryptophan, which is neutral and slightly polar, at codon 319 of the ROBO2 protein (p.Arg319Trp). This variant is present in population databases (rs772770981, gnomAD 0.02%). This variant has not been reported in the literature in individuals affected with ROBO2-related conditions. ClinVar contains an entry for this variant (Variation ID: 3780561). Invitae Evidence Modeling of protein sequence and biophysical properties (such as structural, functional, and spatial information, amino acid conservation, physicochemical variation, residue mobility, and thermodynamic stability) indicates that this missense variant is not expected to disrupt ROBO2 protein function with a negative predictive value of 95%. In summary, the available evidence is currently insufficient to determine the role of this variant in disease. Therefore, it has been classified as a Variant of Uncertain Significance.

Department of Pathology and Laboratory Medicine, Sinai Health System
Classification: Uncertain significance for Vesicoureteral reflux 2. Last evaluated: 2022-11-18. Review status: criteria provided, single submitter. Criteria: ACMG Guidelines, 2015. Collection method: research. Allele origin: germline.

NM_001395656.1(ROBO2):c.967C>T (p.Arg323Trp)

Gene: ROBO2 (roundabout guidance receptor 2; plus strand). Cytogenetic location: 3p12.3.
Variant type: single nucleotide variant.
Coding change: c.967C>T on transcript NM_001395656.1 (MANE Select); coding-DNA position 967, C replaced by T.
Protein change: p.Arg323Trp; replaces arginine 323 with tryptophan.
Molecular consequence: missense variant. On other transcripts: 5 prime UTR variant (1).
Genome position (GRCh38, 1-based): chr3:77,546,358, C>T. VCF-style: chr3-77546358-C-T. GRCh37 (hg19) VCF-style: chr3-77595509-C-T.
Other names: c.1003C>T, p.Arg335Trp (NM_001128929.3); c.967C>T, p.Arg323Trp (NM_001290039.2, NM_001290040.2, NM_001378202.1); c.-964C>T (NM_001290065.2); c.1015C>T, p.Arg339Trp (NM_001378190.1, NM_001378191.1, NM_001378195.1 and 4 more transcripts); c.1036C>T, p.Arg346Trp (NM_001378192.1, NM_001378194.1, NM_001378198.1 and 2 more transcripts); c.955C>T, p.Arg319Trp (NM_001378193.1, NM_001378197.1, NM_002942.5); c.1024C>T, p.Arg342Trp (NM_001394212.1, NM_001394214.1, NM_001395657.1); short protein forms R319W, R323W, R335W, R339W, R342W, R346W.
Identifiers: ClinVar variation 3780561 (VCV003780561.2).